The following is an entry in ClinVar:

ClinVar aggregate classification (germline): Uncertain significance (1 of 4 stars; one submission).

Conditions:
Hereditary cancer-predisposing syndrome. Also called: Hereditary Cancer Syndrome; Tumor predisposition; Hereditary neoplastic syndrome; Neoplastic Syndromes, Hereditary. Identifiers: Orphanet 140162, MedGen C0027672, MeSH D009386, MONDO:0015356.

Submission:

Ambry Genetics
Classification: Uncertain significance for Hereditary cancer-predisposing syndrome. Last evaluated: 2024-11-15. Review status: criteria provided, single submitter. Criteria: Ambry Variant Classification Scheme 2023. Collection method: clinical testing. Allele origin: germline.
Comment: The p.Q232K variant (also known as c.694C>A), located in coding exon 7 of the MRE11A gene, results from a C to A substitution at nucleotide position 694. The glutamine at codon 232 is replaced by lysine, an amino acid with similar properties. This amino acid position is conserved. In addition, the in silico prediction for this alteration is inconclusive. Based on the available evidence, the clinical significance of this variant remains unclear.

NM_005591.4(MRE11):c.694C>A (p.Gln232Lys)

Gene: MRE11 (MRE11 double strand break repair nuclease; minus strand). Cytogenetic location: 11q21.
Variant type: single nucleotide variant.
Coding change: c.694C>A on transcript NM_005591.4 (MANE Select); coding-DNA position 694, C replaced by A.
Protein change: p.Gln232Lys; replaces glutamine 232 with lysine.
Molecular consequence: missense variant.
Genome position (GRCh38, 1-based): chr11:94,471,725, G>T on the plus strand (C>A on the coding strand, the complement: MRE11 is on the minus strand). VCF-style: chr11-94471725-G-T. GRCh37 (hg19) VCF-style: chr11-94204891-G-T.
Other names: c.694C>A, p.Gln232Lys (NM_001330347.2, NM_005590.4); short protein forms Q232K.
Identifiers: ClinVar variation 3397886 (VCV003397886.1).
Genomic context (GRCh38, chr11:94,471,725, plus strand): 5'-CTATTTTACACTCATGTTCATGGCCCCAGATAACAAGATCAATGAAGTCATCCAAAAATT[G>T]TTCTGGAATGAAGTTAGTACTTCCATGTTTACTCCTGTATCAAGATTTTGAAAAATATAA-3'
Protein context (NP_005582.1, residues 222-242): KHGSTNFIPE[Gln232Lys]FLDDFIDLVI